The following is an entry in ClinVar:

ClinVar aggregate classification (germline): Benign. Review status: criteria provided, multiple submitters, no conflicts (2 of 4 stars). 2 submissions from 2 submitters: Benign (2). Last evaluated 2022-08-01.

Conditions:
Hereditary spastic paraplegia 10 (SPG10). Also called: SPASTIC PARAPLEGIA 10, AUTOSOMAL DOMINANT; SPASTIC PARAPLEGIA 10 WITH OR WITHOUT PERIPHERAL NEUROPATHY; SPASTIC PARAPLEGIA 10 WITH PERIPHERAL NEUROPATHY. Identifiers: Orphanet 100991, MedGen C1858712, MONDO:0011408, OMIM 604187.

Allele frequency attached by ClinVar (database versions not stated): TOPMed 0.00186; gnomAD 0.00192 and 0.00198; 1000 Genomes Project 30x 0.00203; 1000 Genomes Project 0.00160.

Submissions (2):

CeGaT Center for Human Genetics Tuebingen
Classification: Benign. Last evaluated: 2022-08-01. Review status: criteria provided, single submitter. Criteria: CeGaT Center For Human Genetics Tuebingen Variant Classification Criteria Version 2. Collection method: clinical testing. Allele origin: germline. Affected: yes. Observed: 3 variant alleles.
Comment: KIF5A: BS1, BS2

Illumina Laboratory Services, Illumina
Classification: Benign for Hereditary spastic paraplegia 10. Last evaluated: 2018-01-13. Review status: criteria provided, single submitter. Criteria: ICSL Variant Classification Criteria 13 December 2019. Collection method: clinical testing. Allele origin: germline.
Comment: This variant was observed in the ICSL laboratory as part of a predisposition screen in an ostensibly healthy population. It had not been previously curated by ICSL or reported in the Human Gene Mutation Database (HGMD: prior to June 1st, 2018), and was therefore a candidate for classification through an automated scoring system. Utilizing variant allele frequency, disease prevalence and penetrance estimates, and inheritance mode, an automated score was calculated to assess if this variant is too frequent to cause the disease. Based on the score and internal cut-off values, a variant classified as benign is not then subjected to further curation. The score for this variant resulted in a classification of benign for this disease.

NM_004984.4(KIF5A):c.*425C>T

Gene: KIF5A (kinesin family member 5A; plus strand). Cytogenetic location: 12q13.3.
Variant type: single nucleotide variant.
Coding change: c.*425C>T on transcript NM_004984.4 (MANE Select); 425 bases downstream of the stop codon, C replaced by T.
Molecular consequence: 3 prime UTR variant.
Genome position (GRCh38, 1-based): chr12:57,584,606, C>T. VCF-style: chr12-57584606-C-T. GRCh37 (hg19) VCF-style: chr12-57978389-C-T.
Other names: c.*425C>T (NM_001354705.2).
Identifiers: ClinVar variation 882170 (VCV000882170.35), dbSNP rs180971201, ClinGen allele CA237792948.
Genomic context (GRCh38, chr12:57,584,606, plus strand): 5'-CAGAGATGACAAAAGGAAAAATGGGAGCTAGAGGGTTGTGACCCTTCATACACACACGCA[C>T]GCACGCACACAAACATGCACACACGCATGCACACACACAAAGCCTTAAGCAGAAGAATGT-3'